The following is an entry in ClinVar:

NM_025132.4(WDR19):c.1772T>C (p.Ile591Thr)

Gene: WDR19 (WD repeat domain 19; plus strand). Cytogenetic location: 4p14.
Variant type: single nucleotide variant.
Coding change: c.1772T>C on transcript NM_025132.4 (MANE Select); coding-DNA position 1772, T replaced by C.
Protein change: p.Ile591Thr; replaces isoleucine 591 with threonine.
Molecular consequence: missense variant.
Genome position (GRCh38, 1-based): chr4:39,228,352, T>C. VCF-style: chr4-39228352-T-C. GRCh37 (hg19) VCF-style: chr4-39229972-T-C.
Other names: c.1292T>C, p.Ile431Thr (NM_001317924.2); c.1772T>C (NM_025132.3); short protein forms I431T, I591T.
Identifiers: ClinVar variation 1987895 (VCV001987895.4), dbSNP rs2475185788, ClinGen allele CA356632876.
Genomic context (GRCh38, chr4:39,228,352, plus strand): 5'-GTGTATTTATTGCTTATGATGATGATAAGGTGTACACTTATGTCTTTCACAAGGACACTA[T>C]ACAAGGTACTAAACCCCTTTTGTGTATATTCGCTGACAGATGAATTTCCCATTGCAGTAA-3'
Protein context (NP_079408.3, residues 581-601): VYTYVFHKDT[Ile591Thr]QGAKVILAGS

ClinVar aggregate classification (germline): Uncertain significance. Review status: criteria provided, multiple submitters, no conflicts (2 of 4 stars). 2 submissions from 2 submitters: Uncertain significance (2). Last evaluated 2024-08-27.

Conditions:
Inborn genetic diseases. Identifiers: MedGen C0950123, MeSH D030342.
Asphyxiating thoracic dystrophy 5 (SRTD5). Also called: SHORT-RIB THORACIC DYSPLASIA 5 WITH OR WITHOUT POLYDACTYLY; SHORT-RIB THORACIC DYSPLASIA 5 WITHOUT POLYDACTYLY. Identifiers: Orphanet 474, MedGen C3280598, MONDO:0013717, OMIM 614376.
Senior-Loken syndrome 8 (SLSN8). Identifiers: Orphanet 3156, MedGen C4225376, MONDO:0014579, OMIM 616307.

Allele frequency attached by ClinVar (database versions not stated): gnomAD exomes below 0.00001.
gnomAD v4.1: 1 of 1,609,140 alleles (0.000062%); highest among the groups gnomAD compares: Middle Eastern, 0.017%; no homozygotes.

Submissions (2):

Ambry Genetics
Classification: Uncertain significance for Inborn genetic diseases. Last evaluated: 2024-08-27. Review status: criteria provided, single submitter. Criteria: Ambry Variant Classification Scheme 2023. Collection method: clinical testing. Allele origin: germline.

Labcorp Genetics (formerly Invitae), Labcorp
Classification: Uncertain significance for Senior-Loken syndrome 8; Asphyxiating thoracic dystrophy 5. Last evaluated: 2022-07-23. Review status: criteria provided, single submitter. Criteria: Invitae Variant Classification Sherloc (09022015). Collection method: clinical testing. Allele origin: germline.
Comment: This sequence change replaces isoleucine, which is neutral and non-polar, with threonine, which is neutral and polar, at codon 591 of the WDR19 protein (p.Ile591Thr). This variant is not present in population databases (gnomAD no frequency). In summary, the available evidence is currently insufficient to determine the role of this variant in disease. Therefore, it has been classified as a Variant of Uncertain Significance. Algorithms developed to predict the effect of missense changes on protein structure and function (SIFT, PolyPhen-2, Align-GVGD) all suggest that this variant is likely to be disruptive. This variant has not been reported in the literature in individuals affected with WDR19-related conditions.